The following is an entry in ClinVar:

NM_201384.3(PLEC):c.2145G>T (p.Glu715Asp)

Gene: PLEC (plectin; minus strand). Cytogenetic location: 8q24.3.
Variant type: single nucleotide variant.
Coding change: c.2145G>T on transcript NM_201384.3 (MANE Select); coding-DNA position 2145, G replaced by T.
Protein change: p.Glu715Asp; replaces glutamic acid 715 with aspartic acid.
Molecular consequence: missense variant.
Genome position (GRCh38, 1-based): chr8:143,931,970, C>A on the plus strand (G>T on the coding strand, the complement: PLEC is on the minus strand). VCF-style: chr8-143931970-C-A. GRCh37 (hg19) VCF-style: chr8-145006138-C-A.
Other names: c.2049G>T, p.Glu683Asp (NM_201381.3); c.2145G>T, p.Glu715Asp (NM_201382.4); c.2157G>T, p.Glu719Asp (NM_201383.3); c.2226G>T, p.Glu742Asp (NM_000445.5, NM_001410941.1); c.2103G>T, p.Glu701Asp (NM_201378.4); c.2079G>T, p.Glu693Asp (NM_201379.3); c.2556G>T, p.Glu852Asp (NM_201380.4); short protein forms E693D, E852D, E719D, E715D, E742D, E683D, E701D.
Identifiers: ClinVar variation 2145917 (VCV002145917.4), dbSNP rs2538754585, ClinGen allele CA372576820.

ClinVar aggregate classification (germline): Uncertain significance (1 of 4 stars; one submission).

Conditions:
Epidermolysis bullosa simplex 5B, with muscular dystrophy (EBS5B). Also called: EPIDERMOLYSIS BULLOSA SIMPLEX AND LIMB-GIRDLE MUSCULAR DYSTROPHY; Epidermolysis bullosa simplex with muscular dystrophy. Identifiers: Orphanet 257, MedGen C2931072, MONDO:0009181, OMIM 226670.
Epidermolysis bullosa simplex, Ogna type (EBS5A). Also called: Pidermolysis bullosa simplex 5A, Ogna type; EPIDERMOLYSIS BULLOSA SIMPLEX 5A, OGNA TYPE. Identifiers: Orphanet 79401, MedGen C0432317, MONDO:0007555, OMIM 131950.
Epidermolysis bullosa simplex 5C, with pyloric atresia (EBS5C). Also called: PLEC-Related Epidermolysis Bullosa with Pyloric Atresia; Epidermolysis bullosa simplex with pyloric atresia; PLEC1-Related Epidermolysis Bullosa with Pyloric Atresia. Identifiers: Orphanet 158684, MedGen C2677349, MONDO:0012807, OMIM 612138.
Autosomal recessive limb-girdle muscular dystrophy type 2Q (LGMDR17). Also called: MUSCULAR DYSTROPHY, LIMB-GIRDLE, AUTOSOMAL RECESSIVE 17. Identifiers: Orphanet 254361, MedGen C3150989, MONDO:0013390, OMIM 613723.
Epidermolysis bullosa simplex with nail dystrophy (EBS5D). Identifiers: MedGen C4225309, MONDO:0014661, OMIM 616487.

Allele frequency attached by ClinVar (database versions not stated): gnomAD exomes below 0.00001.
gnomAD v4.1: 2 of 1,607,828 alleles (0.00012%); highest among the groups gnomAD compares: Non-Finnish European, 0.00017%; no homozygotes.

Submission:

Labcorp Genetics (formerly Invitae), Labcorp
Classification: Uncertain significance for Autosomal recessive limb-girdle muscular dystrophy type 2Q; Epidermolysis bullosa simplex, Ogna type; Epidermolysis bullosa simplex with nail dystrophy; Epidermolysis bullosa simplex 5C, with pyloric atresia; Epidermolysis bullosa simplex 5B, with muscular dystrophy. Last evaluated: 2022-09-14. Review status: criteria provided, single submitter. Criteria: Invitae Variant Classification Sherloc (09022015). Collection method: clinical testing. Allele origin: germline.
Comment: This sequence change replaces glutamic acid, which is acidic and polar, with aspartic acid, which is acidic and polar, at codon 742 of the PLEC protein (p.Glu742Asp). This variant is not present in population databases (gnomAD no frequency). This variant has not been reported in the literature in individuals affected with PLEC-related conditions. Algorithms developed to predict the effect of missense changes on protein structure and function are either unavailable or do not agree on the potential impact of this missense change (SIFT: "Deleterious"; PolyPhen-2: "Not Available"; Align-GVGD: "Class C35"). In summary, the available evidence is currently insufficient to determine the role of this variant in disease. Therefore, it has been classified as a Variant of Uncertain Significance.